The following is an entry in ClinVar:

NM_001372044.2(SHANK3):c.3742G>A (p.Ala1248Thr)

Gene: SHANK3 (SH3 and multiple ankyrin repeat domains 3; plus strand). Cytogenetic location: 22q13.33.
Variant type: single nucleotide variant.
Coding change: c.3742G>A on transcript NM_001372044.2 (MANE Select); coding-DNA position 3742, G replaced by A.
Protein change: p.Ala1248Thr; replaces alanine 1248 with threonine.
Molecular consequence: missense variant.
Genome position (GRCh38, 1-based): chr22:50,721,350, G>A. VCF-style: chr22-50721350-G-A. GRCh37 (hg19) VCF-style: chr22-51159778-G-A.
Other names: c.3517G>A, p.Ala1173Thr (NM_033517.1); short protein forms A1173T, A1248T.
Identifiers: ClinVar variation 588948 (VCV000588948.33), dbSNP rs139686326, ClinGen allele CA10326055.

ClinVar aggregate classification (germline): Benign/Likely benign. Review status: criteria provided, multiple submitters, no conflicts (2 of 4 stars). 5 submissions from 5 submitters: Benign (2); Likely benign (2). 1 of the submissions does not count toward it. Last evaluated 2026-07-01.

Conditions:
Inborn genetic diseases. Identifiers: MedGen C0950123, MeSH D030342.
SHANK3-related disorder. Also called: SHANK3-related condition.

Allele frequency attached by ClinVar (database versions not stated): TOPMed 0.00037; gnomAD 0.00053 and 0.00078; gnomAD exomes 0.00094; ExAC 0.00107; 1000 Genomes Project 30x 0.00250; 1000 Genomes Project 0.00319.

Submissions (5):

CeGaT Center for Human Genetics Tuebingen
Classification: Benign. Last evaluated: 2026-07-01. Review status: criteria provided, single submitter. Criteria: CeGaT Center For Human Genetics Tuebingen Variant Classification Criteria Version 2. Collection method: clinical testing. Allele origin: germline. Affected: yes. Observed: 5 variant alleles.
Comment: SHANK3: BS1, BS2

Blueprint Genetics
Classification: Likely benign. Last evaluated: 2024-09-18. Review status: criteria provided, single submitter. Criteria: ACMG Guidelines, 2015. Collection method: clinical testing. Allele origin: germline.

Ambry Genetics
Classification: Likely benign for Inborn genetic diseases. Last evaluated: 2019-01-24. Review status: criteria provided, single submitter. Criteria: Ambry Variant Classification Scheme 2023. Collection method: clinical testing. Allele origin: germline.

GeneDx
Classification: Benign. Last evaluated: 2018-12-24. Review status: criteria provided, single submitter. Criteria: GeneDx Variant Classification Process June 2021. Collection method: clinical testing. Allele origin: germline. Affected: yes.

PreventionGenetics, part of Exact Sciences
Classification: Likely benign for SHANK3-related condition. Last evaluated: 2021-10-07. Review status: no assertion criteria provided. Collection method: clinical testing. Allele origin: germline. Not counted in ClinVar's aggregate classification.
Comment: This variant is classified as likely benign based on ACMG/AMP sequence variant interpretation guidelines (Richards et al. 2015 PMID: 25741868, with internal and published modifications).

Literature cited by the submitters: PubMed 17999366 (cited by Ambry Genetics); PubMed 21378602 (cited by Ambry Genetics).